The following is an entry in ClinVar:

ClinVar aggregate classification (germline): Likely pathogenic (1 of 4 stars; one submission).

Conditions:
Nemaline myopathy 2 (NEM2). Also called: Nemaline myopathy 2, autosomal recessive. Identifiers: MedGen C1850569, MONDO:0009725, OMIM 256030.

Submission:

Myriad Genetics, Inc.
Classification: Likely pathogenic for Nemaline myopathy 2. Last evaluated: 2022-01-06. Review status: criteria provided, single submitter. Criteria: Myriad Women's Health Autosomal Recessive and X-Linked Classification Criteria (2021). Collection method: clinical testing. Allele origin: unknown.
Comment: NM_001271208.1(NEB):c.2148C>A(C716*) is expected to be pathogenic in the context of NEB-related nemaline myopathy. This variant is predicted to lead to an abnormal or absent protein product due to the creation of a premature termination codon in NEB, a gene where loss-of-function variants are known to be pathogenic. Please note: this variant was assessed in the context of healthy population screening.

NM_001164508.2(NEB):c.2148C>A (p.Cys716Ter)

Gene: NEB (nebulin; minus strand). Cytogenetic location: 2q23.3.
Variant type: single nucleotide variant.
Coding change: c.2148C>A on transcript NM_001164508.2 (MANE Select); coding-DNA position 2148, C replaced by A.
Protein change: p.Cys716Ter; replaces cysteine 716 with a stop codon.
Molecular consequence: nonsense.
Genome position (GRCh38, 1-based): chr2:151,691,927, G>T on the plus strand (C>A on the coding strand, the complement: NEB is on the minus strand). VCF-style: chr2-151691927-G-T. GRCh37 (hg19) VCF-style: chr2-152548441-G-T.
Other names: c.2148C>A, p.Cys716Ter (NM_001164507.2, NM_001271208.2, NM_004543.5); short protein forms C716*.
Identifiers: ClinVar variation 1726987 (VCV001726987.2), dbSNP rs2552267747, ClinGen allele CA348823666.
Genomic context (GRCh38, chr2:151,691,927, plus strand): 5'-TTTACACTGGTCCAGCTTCTTGATTGCTTCATATTCTTGTGTTATTGTCTGAGGGAAATA[G>T]CATTTTCCTTTATCTTCTTCATATTCTGCTTTGTAACTTTTCTATAATGAGAAAAACCAA-3'